The following is an entry in ClinVar:

NM_005751.5(AKAP9):c.2364A>C (p.Glu788Asp)

Gene: AKAP9 (A-kinase anchoring protein 9; plus strand). Cytogenetic location: 7q21.2.
Variant type: single nucleotide variant.
Coding change: c.2364A>C on transcript NM_005751.5 (MANE Select); coding-DNA position 2364, A replaced by C.
Protein change: p.Glu788Asp; replaces glutamic acid 788 with aspartic acid.
Molecular consequence: missense variant.
Genome position (GRCh38, 1-based): chr7:92,002,281, A>C. VCF-style: chr7-92002281-A-C. GRCh37 (hg19) VCF-style: chr7-91631595-A-C.
Other names: c.2364A>C, p.Glu788Asp (NM_147185.3); short protein forms E788D.
Identifiers: ClinVar variation 4034217 (VCV004034217.1).

ClinVar aggregate classification (germline): Uncertain significance (1 of 4 stars; one submission).

Conditions:
Cardiovascular phenotype. Identifiers: MedGen CN230736.

Submission:

Ambry Genetics
Classification: Uncertain significance for Cardiovascular phenotype. Last evaluated: 2025-06-01. Review status: criteria provided, single submitter. Criteria: Ambry Variant Classification Scheme 2023. Collection method: clinical testing. Allele origin: germline.
Comment: The p.E788D variant (also known as c.2364A>C), located in coding exon 8 of the AKAP9 gene, results from an A to C substitution at nucleotide position 2364. The glutamic acid at codon 788 is replaced by aspartic acid, an amino acid with highly similar properties. This amino acid position is conserved. In addition, this alteration is predicted to be tolerated by in silico analysis. Based on the available evidence, the clinical significance of this variant remains unclear.